The following is an entry in ClinVar:

NM_018238.4(AGK):c.726+157G>A

Gene: AGK (acylglycerol kinase; plus strand). Cytogenetic location: 7q34.
Variant type: single nucleotide variant.
Coding change: c.726+157G>A on transcript NM_018238.4 (MANE Select); 157 bases into the intron after coding-DNA position 726, G replaced by A.
Molecular consequence: intron variant.
Genome position (GRCh38, 1-based): chr7:141,637,174, G>A. VCF-style: chr7-141637174-G-A. GRCh37 (hg19) VCF-style: chr7-141336974-G-A.
Other names: c.726+157G>A (NM_001364948.3).
Identifiers: ClinVar variation 669460 (VCV000669460.2), dbSNP rs80336838, ClinGen allele CA15514646.

ClinVar aggregate classification (germline): Benign. Review status: criteria provided, multiple submitters, no conflicts (2 of 4 stars). 2 submissions from 2 submitters: Benign (2). Last evaluated 2018-06-14.

Allele frequency attached by ClinVar (database versions not stated): 1000 Genomes Project 30x 0.05497; 1000 Genomes Project 0.05791; TOPMed 0.09244; gnomAD 0.10158 and 0.10410.
gnomAD v4.1: 15,580 of 151,974 alleles (10%); highest among the groups gnomAD compares: Non-Finnish European, 15%; 1,081 homozygotes.

Submissions (2):

GeneDx
Classification: Benign. Last evaluated: 2018-06-14. Review status: criteria provided, single submitter. Criteria: GeneDx Variant Classification (06012015). Collection method: clinical testing. Allele origin: germline. Affected: yes.
Comment: This variant is considered likely benign or benign based on one or more of the following criteria: it is a conservative change, it occurs at a poorly conserved position in the protein, it is predicted to be benign by multiple in silico algorithms, and/or has population frequency not consistent with disease.

Breakthrough Genomics
Classification: Benign. Review status: criteria provided, single submitter. Criteria: ACMG Guidelines, 2015. Collection method: not provided. Allele origin: germline. Inheritance: Autosomal recessive inheritance. Affected: yes.